The following is an entry in ClinVar:

NM_032242.4(PLXNA1):c.5353T>C (p.Ser1785Pro)

Gene: PLXNA1 (plexin A1; plus strand). Cytogenetic location: 3q21.3.
Variant type: single nucleotide variant.
Coding change: c.5353T>C on transcript NM_032242.4 (MANE Select); coding-DNA position 5353, T replaced by C.
Protein change: p.Ser1785Pro; replaces serine 1785 with proline.
Molecular consequence: missense variant.
Genome position (GRCh38, 1-based): chr3:127,032,508, T>C. VCF-style: chr3-127032508-T-C. GRCh37 (hg19) VCF-style: chr3-126751351-T-C.
Other names: short protein forms S1785P.
Identifiers: ClinVar variation 4999089 (VCV004999089.1).

ClinVar aggregate classification (germline): Uncertain significance (1 of 4 stars; one submission).

Conditions:
PLXNA1-related disorder. Also called: PLXNA1-related condition.

Submission:

PreventionGenetics, part of Exact Sciences
Classification: Uncertain significance for PLXNA1-related condition. Last evaluated: 2024-10-28. Review status: criteria provided, single submitter. Criteria: ACMG Guidelines, 2015. Collection method: clinical testing. Allele origin: germline.
Comment: The PLXNA1 c.5353T>C variant is predicted to result in the amino acid substitution p.Ser1785Pro. To our knowledge, this variant has not been reported in the literature or in a large population database (gnomAD), indicating this variant is rare. At this time, the clinical significance of this variant is uncertain due to the absence of conclusive functional and genetic evidence.